The following is an entry in ClinVar:

ClinVar aggregate classification (somatic clinical impact): Tier II - Potential. Review status: criteria provided, single submitter (1 of 4 stars). 2 submissions from 1 submitter. Last evaluated 2025-04-04.

Conditions:
Melanoma. Identifiers: MedGen C0025202, MeSH D008545, MONDO:0005105, HP:0002861.
Pilocytic astrocytoma. Also called: Pilocytic astrocytoma, somatic. Identifiers: Orphanet 251612, MedGen C0334583, MONDO:0016691, HP:0033680.

Submissions (2):

Institute for Genomic Medicine (IGM) Clinical Laboratory, Nationwide Children's Hospital
Classification: Tier II - Potential for Melanoma. Assertion type: diagnostic. Clinical significance: supports diagnosis. Last evaluated: 2025-04-04. Review status: criteria provided, single submitter. Criteria: AMP/ASCO/CAP Guidelines, 2017. Collection method: clinical testing. Allele origin: somatic. Affected: yes.
Comment: Variant has Tier II (potential) clinical significance as a diagnostic inclusion criterion in melanoma, based on the following evidence: 1) Documented in one or more cancer databases (e.g., St. Jude Pecan, COSMIC, CIViC, OncoKB). 2) Appears in one or more well-established professional guidelines (e.g., World Health Organization [WHO]; National Comprehensive Cancer Network [NCCN]) as providing diagnostic, prognostic, or therapeutic information. 3) Information in the literature supports potential biologic effect of variant (PMIDs: 30420357, 29206102). 4) Diagnostic significance based on multiple small studies (Evidence Level C; PMIDs: 36098958, 33230298, 23793026, 27745836, 28810145, 37803816).

Institute for Genomic Medicine (IGM) Clinical Laboratory, Nationwide Children's Hospital
Classification: Tier II - Potential for Pilocytic astrocytoma. Assertion type: diagnostic. Clinical significance: supports diagnosis. Last evaluated: 2023-06-01. Review status: criteria provided, single submitter. Criteria: AMP/ASCO/CAP Guidelines, 2017. Collection method: clinical testing. Allele origin: somatic. Affected: yes.
Comment: Variant has Tier II (potential) clinical significance as a diagnostic inclusion criterion in pilocytic astrocytoma, based on the following evidence: 1) Information in the literature supports potential biologic effect of variant (PMIDs: 30420357, 29206102). 2) Assists in diagnosis alone or along with other biomarkers based on small studies or few case reports (Evidence Level D; PMIDs: 36551583, 36371345, 32901952, 30305285, 28594900).

Literature cited by the submitters: PubMed 30420357; PubMed 29206102; PubMed 36098958; PubMed 33230298; PubMed 23793026; PubMed 27745836; PubMed 28810145; PubMed 37803816; PubMed 36551583; PubMed 36371345; PubMed 32901952; PubMed 30305285; PubMed 28594900.

NM_001412.4(EIF1AX):c.38G>A (p.Arg13His)

Gene: EIF1AX (eukaryotic translation initiation factor 1A X-linked; minus strand). Cytogenetic location: Xp22.12.
Variant type: single nucleotide variant.
Coding change: c.38G>A on transcript NM_001412.4 (MANE Select); coding-DNA position 38, G replaced by A.
Protein change: p.Arg13His; replaces arginine 13 with histidine.
Molecular consequence: missense variant.
Genome position (GRCh38, 1-based): chrX:20,138,601, C>T on the plus strand (G>A on the coding strand, the complement: EIF1AX is on the minus strand). VCF-style: chrX-20138601-C-T. GRCh37 (hg19) VCF-style: chrX-20156719-C-T.
Other names: short protein forms R13H.
Identifiers: ClinVar variation 4530058 (VCV004530058.1).